The following is an entry in ClinVar:

ClinVar aggregate classification (germline): Uncertain significance (1 of 4 stars; one submission).

Submission:

GeneDx
Classification: Uncertain significance. Last evaluated: 2025-01-28. Review status: criteria provided, single submitter. Criteria: GeneDx Variant Classification Process June 2021. Collection method: clinical testing. Allele origin: germline. Affected: yes.
Comment: Not observed at significant frequency in large population cohorts (gnomAD); In silico analysis supports that this missense variant has a deleterious effect on protein structure/function; Has not been previously published as pathogenic or benign to our knowledge; Variants in candidate genes are classified as variants of uncertain significance in accordance with ACMG guidelines (PMID: 25741868)

NM_012401.4(PLXNB2):c.3679G>T (p.Ala1227Ser)

Gene: PLXNB2 (plexin B2; minus strand). Cytogenetic location: 22q13.33.
Variant type: single nucleotide variant.
Coding change: c.3679G>T on transcript NM_012401.4 (MANE Select); coding-DNA position 3679, G replaced by T.
Protein change: p.Ala1227Ser; replaces alanine 1227 with serine.
Molecular consequence: missense variant.
Genome position (GRCh38, 1-based): chr22:50,281,173, C>A on the plus strand (G>T on the coding strand, the complement: PLXNB2 is on the minus strand). VCF-style: chr22-50281173-C-A. GRCh37 (hg19) VCF-style: chr22-50719602-C-A.
Other names: c.3916G>T, p.Ala1306Ser (NM_001376864.1); c.3748G>T, p.Ala1250Ser (NM_001376865.1); c.3679G>T, p.Ala1227Ser (NM_001376866.1, NM_001376867.1, NM_001376868.1 and 16 more transcripts); c.3655G>T, p.Ala1219Ser (NM_001376883.1); c.3586G>T, p.Ala1196Ser (NM_001376886.1); short protein forms A1196S, A1219S, A1227S, A1250S, A1306S.
Identifiers: ClinVar variation 4278577 (VCV004278577.1).